The following is an entry in ClinVar:

NM_005732.4(RAD50):c.160A>G (p.Thr54Ala)

Gene: RAD50 (RAD50 double strand break repair protein; plus strand). Cytogenetic location: 5q31.1.
Variant type: single nucleotide variant.
Coding change: c.160A>G on transcript NM_005732.4 (MANE Select); coding-DNA position 160, A replaced by G.
Protein change: p.Thr54Ala; replaces threonine 54 with alanine.
Molecular consequence: missense variant.
Genome position (GRCh38, 1-based): chr5:132,559,314, A>G. VCF-style: chr5-132559314-A-G. GRCh37 (hg19) VCF-style: chr5-131895006-A-G.
Other names: short protein forms T54A.
Identifiers: ClinVar variation 220251 (VCV000220251.9), dbSNP rs864622441, ClinGen allele CA348667.
Genomic context (GRCh38, chr5:132,559,314, plus strand): 5'-ACGAAATAATGTAATTTTCTATTTCTTTAGACCATCATTGAATGTCTAAAATATATTTGT[A>G]CTGGAGATTTCCCTCCTGGAACCAAAGGAAATACATTTGTACACGATCCCAAGGTAATGG-3'
Protein context (NP_005723.2, residues 44-64): TIIECLKYIC[Thr54Ala]GDFPPGTKGN

ClinVar aggregate classification (germline): Uncertain significance. Review status: criteria provided, multiple submitters, no conflicts (2 of 4 stars). 2 submissions from 2 submitters: Uncertain significance (2). Last evaluated 2023-05-28.

Conditions:
Hereditary cancer-predisposing syndrome. Also called: Hereditary neoplastic syndrome; Tumor predisposition; Hereditary Cancer Syndrome; Neoplastic Syndromes, Hereditary. Identifiers: Orphanet 140162, MedGen C0027672, MeSH D009386, MONDO:0015356.

Allele frequency attached by ClinVar (database versions not stated): gnomAD 0.00001.
gnomAD v4.1: 1 of 1,608,304 alleles (0.000062%); highest among the groups gnomAD compares: Admixed American, 0.0017%; no homozygotes.

Submissions (2):

Ambry Genetics
Classification: Uncertain significance for Hereditary cancer-predisposing syndrome. Last evaluated: 2023-05-28. Review status: criteria provided, single submitter. Criteria: Ambry Variant Classification Scheme 2023. Collection method: clinical testing. Allele origin: germline.
Comment: The p.T54A variant (also known as c.160A>G), located in coding exon 2 of the RAD50 gene, results from an A to G substitution at nucleotide position 160. The threonine at codon 54 is replaced by alanine, an amino acid with similar properties. This amino acid position is conserved. In addition, this alteration is predicted to be tolerated by in silico analysis. Since supporting evidence is limited at this time, the clinical significance of this alteration remains unclear.

Labcorp Genetics (formerly Invitae), Labcorp
Classification: Uncertain significance for Hereditary cancer-predisposing syndrome. Last evaluated: 2015-09-15. Review status: criteria provided, single submitter. Criteria: Invitae Variant Classification Sherloc (09022015). Collection method: clinical testing. Allele origin: germline.
Comment: In summary, this is a novel missense change with uncertain impact on protein function. It has been classified as a Variant of Uncertain Significance. Algorithms developed to predict the effect of missense changes on protein structure and function do not agree on the potential impact of this missense change (SIFT: "Deleterious"; PolyPhen-2: "Probably Damaging"; Align-GVGD: "Class C0"). This variant is not present in population databases and has not been reported in the literature. This sequence change replaces threonine with alanine at codon 54 of the RAD50 protein (p.Thr54Ala). The threonine residue is highly conserved and there is a small physicochemical difference between threonine and alanine.